The following is an entry in ClinVar:

NM_003060.4(SLC22A5):c.118G>A (p.Val40Met)

Gene: SLC22A5 (solute carrier family 22 member 5; plus strand). Cytogenetic location: 5q31.1.
Variant type: single nucleotide variant.
Coding change: c.118G>A on transcript NM_003060.4 (MANE Select); coding-DNA position 118, G replaced by A.
Protein change: p.Val40Met; replaces valine 40 with methionine.
Molecular consequence: missense variant.
Genome position (GRCh38, 1-based): chr5:132,370,090, G>A. VCF-style: chr5-132370090-G-A. GRCh37 (hg19) VCF-style: chr5-131705782-G-A.
Other names: c.118G>A, p.Val40Met (NM_001308122.2); short protein forms V40M.
Identifiers: ClinVar variation 907482 (VCV000907482.13), dbSNP rs148657753, ClinGen allele CA3403791.

ClinVar aggregate classification (germline): Uncertain significance. Review status: criteria provided, multiple submitters, no conflicts (2 of 4 stars). 3 submissions from 3 submitters: Uncertain significance (3). Last evaluated 2021-11-02.

Conditions:
Renal carnitine transport defect (CDSP). Also called: Carnitine transporter deficiency; Carnitine Deficiency, Systemic; Primary carnitine deficiency; Systemic primary carnitine deficiency; CARNITINE DEFICIENCY, SYSTEMIC, DUE TO DEFECT IN RENAL REABSORPTION OF CARNITINE; CARNITINE TRANSPORTER, PLASMA-MEMBRANE, DEFICIENCY OF. Identifiers: Orphanet 158, MedGen C0342788, MONDO:0008919, OMIM 212140.

Allele frequency attached by ClinVar (database versions not stated): ExAC 0.00001; gnomAD 0.00001; gnomAD exomes 0.00001 and 0.00002; TOPMed 0.00001; ESP Exome Variant Server 0.00008.
gnomAD v4.1: 23 of 1,612,624 alleles (0.0014%); highest among the groups gnomAD compares: Non-Finnish European, 0.0019%; no homozygotes.

Submissions (3):

Labcorp Genetics (formerly Invitae), Labcorp
Classification: Uncertain significance for Renal carnitine transport defect. Last evaluated: 2021-11-02. Review status: criteria provided, single submitter. Criteria: Invitae Variant Classification Sherloc (09022015). Collection method: clinical testing. Allele origin: germline.
Comment: This sequence change replaces valine, which is neutral and non-polar, with methionine, which is neutral and non-polar, at codon 40 of the SLC22A5 protein (p.Val40Met). This variant is present in population databases (rs148657753, gnomAD 0.002%). This variant has not been reported in the literature in individuals affected with SLC22A5-related conditions. ClinVar contains an entry for this variant (Variation ID: 907482). Advanced modeling of protein sequence and biophysical properties (such as structural, functional, and spatial information, amino acid conservation, physicochemical variation, residue mobility, and thermodynamic stability) performed at Invitae indicates that this missense variant is expected to disrupt SLC22A5 protein function. In summary, the available evidence is currently insufficient to determine the role of this variant in disease. Therefore, it has been classified as a Variant of Uncertain Significance.

Genome-Nilou Lab
Classification: Uncertain significance for Renal carnitine transport defect. Last evaluated: 2021-07-15. Review status: criteria provided, single submitter. Criteria: ACMG Guidelines, 2015. Collection method: clinical testing. Allele origin: germline. Affected: no.

Illumina Laboratory Services, Illumina
Classification: Uncertain significance for Renal carnitine transport defect. Last evaluated: 2017-04-27. Review status: criteria provided, single submitter. Criteria: ICSL Variant Classification Criteria 13 December 2019. Collection method: clinical testing. Allele origin: germline.